The following is an entry in ClinVar:

ClinVar aggregate classification (germline): Uncertain significance. Review status: criteria provided, multiple submitters, no conflicts (2 of 4 stars). 2 submissions from 2 submitters: Uncertain significance (2). Last evaluated 2024-05-03.

Conditions:
Inborn genetic diseases. Identifiers: MedGen C0950123, MeSH D030342.

Allele frequency attached by ClinVar (database versions not stated): gnomAD 0.00001; TOPMed 0.00001.
gnomAD v4.1: 10 of 1,586,548 alleles (0.00063%); highest among the groups gnomAD compares: South Asian, 0.0012%; no homozygotes.

Submissions (2):

Ambry Genetics
Classification: Uncertain significance for Inborn genetic diseases. Last evaluated: 2024-05-03. Review status: criteria provided, single submitter. Criteria: Ambry Variant Classification Scheme 2023. Collection method: clinical testing. Allele origin: germline.

Labcorp Genetics (formerly Invitae), Labcorp
Classification: Uncertain significance. Last evaluated: 2022-02-18. Review status: criteria provided, single submitter. Criteria: Invitae Variant Classification Sherloc (09022015). Collection method: clinical testing. Allele origin: germline.
Comment: In summary, the available evidence is currently insufficient to determine the role of this variant in disease. Therefore, it has been classified as a Variant of Uncertain Significance. Algorithms developed to predict the effect of missense changes on protein structure and function are either unavailable or do not agree on the potential impact of this missense change (SIFT: "Deleterious"; PolyPhen-2: "Probably Damaging"; Align-GVGD: "Class C0"). This variant has not been reported in the literature in individuals affected with PTPN23-related conditions. The frequency data for this variant in the population databases is considered unreliable, as metrics indicate poor data quality at this position in the gnomAD database. This sequence change replaces serine, which is neutral and polar, with phenylalanine, which is neutral and non-polar, at codon 1091 of the PTPN23 protein (p.Ser1091Phe).

NM_015466.4(PTPN23):c.3272C>T (p.Ser1091Phe)

Gene: PTPN23 (protein tyrosine phosphatase non-receptor type 23; plus strand). Cytogenetic location: 3p21.31.
Variant type: single nucleotide variant.
Coding change: c.3272C>T on transcript NM_015466.4 (MANE Select); coding-DNA position 3272, C replaced by T.
Protein change: p.Ser1091Phe; replaces serine 1091 with phenylalanine.
Molecular consequence: missense variant.
Genome position (GRCh38, 1-based): chr3:47,411,070, C>T. VCF-style: chr3-47411070-C-T. GRCh37 (hg19) VCF-style: chr3-47452560-C-T.
Other names: c.2894C>T, p.Ser965Phe (NM_001304482.2); c.3272C>T (NM_015466.2); short protein forms S965F, S1091F.
Identifiers: ClinVar variation 2182439 (VCV002182439.4), dbSNP rs1179804970, ClinGen allele CA352561484.